The following is an entry in ClinVar:

NM_001017974.2(P4HA2):c.226G>T (p.Ala76Ser)

Gene: P4HA2 (prolyl 4-hydroxylase subunit alpha 2; minus strand). Cytogenetic location: 5q31.1.
Variant type: single nucleotide variant.
Coding change: c.226G>T on transcript NM_001017974.2 (MANE Select); coding-DNA position 226, G replaced by T.
Protein change: p.Ala76Ser; replaces alanine 76 with serine.
Molecular consequence: missense variant.
Genome position (GRCh38, 1-based): chr5:132,217,302, C>A on the plus strand (G>T on the coding strand, the complement: P4HA2 is on the minus strand). VCF-style: chr5-132217302-C-A. GRCh37 (hg19) VCF-style: chr5-131552995-C-A.
Other names: c.226G>T, p.Ala76Ser (NM_001142598.2, NM_001142599.2, NM_001365677.2 and 5 more transcripts); short protein forms A76S.
Identifiers: ClinVar variation 791578 (VCV000791578.7), dbSNP rs61739875, ClinGen allele CA3402784.

ClinVar aggregate classification (germline): Benign/Likely benign. Review status: criteria provided, multiple submitters, no conflicts (2 of 4 stars). 3 submissions from 3 submitters: Benign (1); Likely benign (1). 1 of the submissions does not count toward it. Last evaluated 2021-12-23.

Conditions:
P4HA2-related disorder. Also called: P4HA2-related condition.
Myopia 25, autosomal dominant (MYP25). Identifiers: MedGen C4310655, MONDO:0014982, OMIM 617238.

Allele frequency attached by ClinVar (database versions not stated): gnomAD exomes 0.00051 and 0.00140; ExAC 0.00182; ESP Exome Variant Server 0.00554; gnomAD 0.00563 and 0.00608; TOPMed 0.00586; 1000 Genomes Project 0.00679; 1000 Genomes Project 30x 0.00765.

Submissions (3):

Fulgent Genetics
Classification: Likely benign for Myopia 25, autosomal dominant. Last evaluated: 2021-12-23. Review status: criteria provided, single submitter. Criteria: ACMG Guidelines, 2015. Collection method: clinical testing. Allele origin: unknown.

Labcorp Genetics (formerly Invitae), Labcorp
Classification: Benign. Last evaluated: 2019-12-31. Review status: criteria provided, single submitter. Criteria: Invitae Variant Classification Sherloc (09022015). Collection method: clinical testing. Allele origin: germline.

PreventionGenetics, part of Exact Sciences
Classification: Benign for P4HA2-related condition. Last evaluated: 2019-06-04. Review status: no assertion criteria provided. Collection method: clinical testing. Allele origin: germline. Not counted in ClinVar's aggregate classification.
Comment: This variant is classified as benign based on ACMG/AMP sequence variant interpretation guidelines (Richards et al. 2015 PMID: 25741868, with internal and published modifications).